The following is an entry in ClinVar:

NM_139057.4(ADAMTS17):c.*1944G>A

Gene: ADAMTS17 (ADAM metallopeptidase with thrombospondin type 1 motif 17; minus strand). Cytogenetic location: 15q26.3.
Variant type: single nucleotide variant.
Coding change: c.*1944G>A on transcript NM_139057.4 (MANE Select); 1944 bases downstream of the stop codon, G replaced by A.
Molecular consequence: 3 prime UTR variant.
Genome position (GRCh38, 1-based): chr15:99,972,458, C>T on the plus strand (G>A on the coding strand, the complement: ADAMTS17 is on the minus strand). VCF-style: chr15-99972458-C-T. GRCh37 (hg19) VCF-style: chr15-100512663-C-T.
Identifiers: ClinVar variation 315168 (VCV000315168.5), dbSNP rs116429760, ClinGen allele CA10647643.
Genomic context (GRCh38, chr15:99,972,458, plus strand): 5'-ATCTGGAGGCCCCGGGGCCCATGCAGGAGACCAAGCTAAGGCTTCCTTAGTGAGCTTGCC[C>T]GGCTCTGCTCCTTGGCTGCAAAAGTCTAAATGTCTTTCAGTGAATTAACAGTTCATTTGG-3'

ClinVar aggregate classification (germline): Benign (1 of 4 stars; one submission).

Conditions:
Weill-Marchesani 4 syndrome, recessive. Also called: Weill-Marchesani syndrome 4. Identifiers: Orphanet 363992, MedGen C2750787, MONDO:0013176, OMIM 613195.

Allele frequency attached by ClinVar (database versions not stated): gnomAD 0.01213; TOPMed 0.01231; 1000 Genomes Project 0.01478; 1000 Genomes Project 30x 0.01515.

Submission:

Illumina Laboratory Services, Illumina
Classification: Benign for Weill-Marchesani 4 syndrome, recessive. Last evaluated: 2018-01-12. Review status: criteria provided, single submitter. Criteria: ICSL Variant Classification Criteria 13 December 2019. Collection method: clinical testing. Allele origin: germline.
Comment: This variant was observed in the ICSL laboratory as part of a predisposition screen in an ostensibly healthy population. It had not been previously curated by ICSL or reported in the Human Gene Mutation Database (HGMD: prior to June 1st, 2018), and was therefore a candidate for classification through an automated scoring system. Utilizing variant allele frequency, disease prevalence and penetrance estimates, and inheritance mode, an automated score was calculated to assess if this variant is too frequent to cause the disease. Based on the score and internal cut-off values, a variant classified as benign is not then subjected to further curation. The score for this variant resulted in a classification of benign for this disease.